The following is an entry in ClinVar:

NM_001151.4(SLC25A4):c.189G>A (p.Lys63=)

Gene: SLC25A4 (solute carrier family 25 member 4; plus strand). Cytogenetic location: 4q35.1.
Variant type: single nucleotide variant.
Coding change: c.189G>A on transcript NM_001151.4 (MANE Select); coding-DNA position 189, G replaced by A.
Protein change: p.Lys63=; no amino-acid change (lysine 63 retained).
Molecular consequence: synonymous variant.
Genome position (GRCh38, 1-based): chr4:185,144,841, G>A. VCF-style: chr4-185144841-G-A. GRCh37 (hg19) VCF-style: chr4-186065995-G-A.
Identifiers: ClinVar variation 3028991 (VCV003028991.2), dbSNP rs2111285413, ClinGen allele CA442615191.
Genomic context (GRCh38, chr4:185,144,841, plus strand): 5'-ACAGATCAGTGCTGAGAAGCAGTACAAAGGGATCATTGATTGTGTGGTGAGAATCCCTAA[G>A]GAGCAGGGCTTCCTCTCCTTCTGGAGGGGTAACCTGGCCAACGTGATCCGTTACTTCCCC-3'
Protein context (NP_001142.2, residues 53-73): GIIDCVVRIP[Lys63=]EQGFLSFWRG

ClinVar aggregate classification (germline): Likely benign (0 of 4 stars; one submission).

Conditions:
SLC25A4-related disorder. Also called: SLC25A4-related condition.

Submission:

PreventionGenetics, part of Exact Sciences
Classification: Likely benign for SLC25A4-related condition. Last evaluated: 2021-06-07. Review status: no assertion criteria provided. Collection method: clinical testing. Allele origin: germline.
Comment: This variant is classified as likely benign based on ACMG/AMP sequence variant interpretation guidelines (Richards et al. 2015 PMID: 25741868, with internal and published modifications).